The following is an entry in ClinVar:

NM_003098.3(SNTA1):c.909+4C>A

Gene: SNTA1 (syntrophin alpha 1; minus strand). Cytogenetic location: 20q11.21.
Variant type: single nucleotide variant.
Coding change: c.909+4C>A on transcript NM_003098.3 (MANE Select); 4 bases into the intron after coding-DNA position 909, C replaced by A.
Molecular consequence: intron variant.
Genome position (GRCh38, 1-based): chr20:33,412,571, G>T on the plus strand (C>A on the coding strand, the complement: SNTA1 is on the minus strand). VCF-style: chr20-33412571-G-T. GRCh37 (hg19) VCF-style: chr20-32000377-G-T.
Other names: c.909+4C>A (NM_001424413.1, NM_001424414.1).
Identifiers: ClinVar variation 4710509 (VCV004710509.1).

ClinVar aggregate classification (germline): Uncertain significance (1 of 4 stars; one submission).

Conditions:
Long QT syndrome (LQTS). Identifiers: MedGen C0023976, MeSH D008133, MONDO:0002442. Disease mechanism: loss of function. Inheritance: Various modes of inheritance.

Submission:

Labcorp Genetics (formerly Invitae), Labcorp
Classification: Uncertain significance for Long QT syndrome. Last evaluated: 2025-09-10. Review status: criteria provided, single submitter. Criteria: Invitae Variant Classification Sherloc (09022015). Collection method: clinical testing. Allele origin: germline.
Comment: This sequence change falls in intron 4 of the SNTA1 gene. It does not directly change the encoded amino acid sequence of the SNTA1 protein. It affects a nucleotide within the consensus splice site. This variant is not present in population databases (gnomAD no frequency). This variant has not been reported in the literature in individuals affected with SNTA1-related conditions. Variants that disrupt the consensus splice site are a relatively common cause of aberrant splicing (PMID: 17576681, 9536098). Algorithms developed to predict the effect of sequence changes on RNA splicing suggest that this variant is not likely to affect RNA splicing. In summary, the available evidence is currently insufficient to determine the role of this variant in disease. Therefore, it has been classified as a Variant of Uncertain Significance.

Literature cited by the submitters: PubMed 17576681; PubMed 9536098.